The following is an entry in ClinVar:

NM_000038.6(APC):c.8350T>C (p.Phe2784Leu)

Gene: APC (APC regulator of Wnt signaling pathway; plus strand). Cytogenetic location: 5q22.2.
Variant type: single nucleotide variant.
Coding change: c.8350T>C on transcript NM_000038.6 (MANE Select); coding-DNA position 8350, T replaced by C.
Protein change: p.Phe2784Leu; replaces phenylalanine 2784 with leucine.
Molecular consequence: missense variant. On other transcripts: non-coding transcript variant (2).
Genome position (GRCh38, 1-based): chr5:112,843,944, T>C. VCF-style: chr5-112843944-T-C. GRCh37 (hg19) VCF-style: chr5-112179641-T-C.
Other names: c.8350T>C, p.Phe2784Leu (NM_001127510.3, NM_001354895.2, NM_001407450.1); c.8296T>C, p.Phe2766Leu (NM_001127511.3); c.8404T>C, p.Phe2802Leu (NM_001354896.2, NM_001407447.1, NM_001407448.1 and 1 more transcripts); c.8380T>C, p.Phe2794Leu (NM_001354897.2); c.8275T>C, p.Phe2759Leu (NM_001354898.2); c.8266T>C, p.Phe2756Leu (NM_001354899.2); c.8227T>C, p.Phe2743Leu (NM_001354900.2); c.8173T>C, p.Phe2725Leu (NM_001354901.2, NM_001407453.1); and 11 more; short protein forms F2501L, F2655L, F2658L, F2693L, F2701L, F2725L, F2683L, F2756L.
Identifiers: ClinVar variation 4588929 (VCV004588929.1).
Genomic context (GRCh38, chr5:112,843,944, plus strand): 5'-TCTAGCAGCTCAAGCAAACACAGTTCACCTAGTGGGACTGTTGCTGCCAGAGTGACTCCT[T>C]TTAATTACAACCCAAGCCCTAGGAAAAGCAGCGCAGATAGCACTTCAGCTCGGCCATCTC-3'
Protein context (NP_000029.2, residues 2774-2794): SGTVAARVTP[Phe2784Leu]NYNPSPRKSS

ClinVar aggregate classification (germline): Uncertain significance (1 of 4 stars; one submission).

Conditions:
Hereditary cancer-predisposing syndrome. Also called: Neoplastic Syndromes, Hereditary; Tumor predisposition; Hereditary Cancer Syndrome; Hereditary neoplastic syndrome. Identifiers: Orphanet 140162, MedGen C0027672, MeSH D009386, MONDO:0015356.

gnomAD v4.1: 1 of 1,610,186 alleles (0.000062%); highest among the groups gnomAD compares: Non-Finnish European, 0.000085%; no homozygotes.

Submission:

Ambry Genetics
Classification: Uncertain significance for Hereditary cancer-predisposing syndrome. Last evaluated: 2025-11-08. Review status: criteria provided, single submitter. Criteria: Ambry Variant Classification Scheme 2023. Collection method: clinical testing. Allele origin: germline.
Comment: The p.F2784L variant (also known as c.8350T>C), located in coding exon 15 of the APC gene, results from a T to C substitution at nucleotide position 8350. The phenylalanine at codon 2784 is replaced by leucine, an amino acid with highly similar properties. This amino acid position is conserved. In addition, in silico predictors for this gene do not accurately predict pathogenicity. Based on the available evidence, the clinical significance of this variant remains unclear.